The following is an entry in ClinVar:

NM_001061.7(TBXAS1):c.183+5G>A

Gene: TBXAS1 (thromboxane A synthase 1; plus strand). Cytogenetic location: 7q34.
Variant type: single nucleotide variant.
Coding change: c.183+5G>A on transcript NM_001061.7 (MANE Select); 5 bases into the intron after coding-DNA position 183, G replaced by A.
Molecular consequence: intron variant.
Genome position (GRCh38, 1-based): chr7:139,872,333, G>A. VCF-style: chr7-139872333-G-A. GRCh37 (hg19) VCF-style: chr7-139572132-G-A.
Other names: c.183+5G>A (NM_001130966.5, NM_001166253.4, NM_030984.6 and 2 more transcripts); c.-19+5G>A (NM_001166254.4); c.97+5G>A (NM_001314028.4, NM_001366537.3).
Identifiers: ClinVar variation 499766 (VCV000499766.16), dbSNP rs368506589, ClinGen allele CA4511486.

ClinVar aggregate classification (germline): Benign/Likely benign. Review status: criteria provided, multiple submitters, no conflicts (2 of 4 stars). 5 submissions from 5 submitters: Benign (3); Likely benign (2). Last evaluated 2026-08-01.

Allele frequency attached by ClinVar (database versions not stated): 1000 Genomes Project 30x 0.00156; ESP Exome Variant Server 0.00008; gnomAD 0.00014 and 0.00042; TOPMed 0.00017; 1000 Genomes Project 0.00120.
gnomAD v4.1: 1,213 of 1,613,340 alleles (0.075%); highest among the groups gnomAD compares: South Asian, 0.99%; 16 homozygotes.

Submissions (6):

CeGaT Center for Human Genetics Tuebingen
Classification: Likely benign. Last evaluated: 2026-08-01. Review status: criteria provided, single submitter. Criteria: CeGaT Center For Human Genetics Tuebingen Variant Classification Criteria Version 2. Collection method: clinical testing. Allele origin: germline. Affected: yes. Observed: 1 variant allele.
Comment: TBXAS1: BP4, BS2

Labcorp Genetics (formerly Invitae), Labcorp
Classification: Benign. Last evaluated: 2025-08-05. Review status: criteria provided, single submitter. Criteria: Invitae Variant Classification Sherloc (09022015). Collection method: clinical testing. Allele origin: germline.

Mayo Clinic Laboratories, Mayo Clinic
Classification: Likely benign. Last evaluated: 2024-02-05. Review status: criteria provided, single submitter. Criteria: ACMG Guidelines, 2015. Collection method: clinical testing. Allele origin: germline. Observed: 8 variant alleles.
Comment: BS1, BS2_supporting, BP4, BP7

Eurofins Ntd Llc (ga)
Classification: Benign. Last evaluated: 2017-01-24. Review status: criteria provided, single submitter. Criteria: EGL Classification Definitions 2015. Collection method: clinical testing. Allele origin: germline. Observed: 1 variant allele, 1 heterozygote.

Breakthrough Genomics
Classification: Benign. Review status: criteria provided, single submitter. Criteria: ACMG Guidelines, 2015. Collection method: not provided. Allele origin: germline. Inheritance: Autosomal recessive inheritance. Affected: yes.

Dr. Peter K. Rogan Lab, Western University
No classification provided (evidence only). Condition: Ovarian serous cystadenocarcinoma. Review status: no classification provided. Collection method: in vitro. Allele origin: not applicable. Functional consequence: retained intron. Not counted in ClinVar's aggregate classification.